The following is an entry in ClinVar:

ClinVar aggregate classification (germline): Likely benign. Review status: criteria provided, single submitter (1 of 4 stars). 2 submissions from 2 submitters: Likely benign (1). 1 of the submissions does not count toward it. Last evaluated 2024-08-27.

Conditions:
Episodic ataxia type 1 (EA1). Also called: MYOKYMIA WITH PERIODIC ATAXIA; PAROXYSMAL ATAXIA WITH NEUROMYOTONIA, HEREDITARY; Episodic ataxia/myokymia syndrome; ATAXIA, EPISODIC, WITH MYOKYMIA. Identifiers: Orphanet 37612, Orphanet 972, MedGen C1719788, MONDO:0008047, OMIM 160120.
KCNA1-related disorder. Also called: KCNA1-related condition; KCNA1-related disorders.

Allele frequency attached by ClinVar (database versions not stated): ExAC 0.00001; gnomAD exomes 0.00002; TOPMed 0.00003; gnomAD 0.00005 and 0.00006.
gnomAD v4.1: 18 of 1,614,072 alleles (0.0011%); highest among the groups gnomAD compares: African/African-American, 0.017%; no homozygotes.

Submissions (2):

Labcorp Genetics (formerly Invitae), Labcorp
Classification: Likely benign for Episodic ataxia type 1. Last evaluated: 2024-08-27. Review status: criteria provided, single submitter. Criteria: Invitae Variant Classification Sherloc (09022015). Collection method: clinical testing. Allele origin: germline.

PreventionGenetics, part of Exact Sciences
Classification: Likely benign for KCNA1-related condition. Last evaluated: 2024-06-24. Review status: no assertion criteria provided. Collection method: clinical testing. Allele origin: germline. Not counted in ClinVar's aggregate classification.
Comment: This variant is classified as likely benign based on ACMG/AMP sequence variant interpretation guidelines (Richards et al. 2015 PMID: 25741868, with internal and published modifications).

NM_000217.3(KCNA1):c.342C>T (p.Ser114=)

Gene: KCNA1 (potassium voltage-gated channel subfamily A member 1; plus strand). Cytogenetic location: 12p13.32.
Variant type: single nucleotide variant.
Coding change: c.342C>T on transcript NM_000217.3 (MANE Select); coding-DNA position 342, C replaced by T.
Protein change: p.Ser114=; no amino-acid change (serine 114 retained).
Molecular consequence: synonymous variant.
Genome position (GRCh38, 1-based): chr12:4,911,720, C>T. VCF-style: chr12-4911720-C-T. GRCh37 (hg19) VCF-style: chr12-5020886-C-T.
Other names: c.342C>T (NM_000217.2).
Identifiers: ClinVar variation 1537812 (VCV001537812.9), dbSNP rs761389490, ClinGen allele CA6399368.